The following is an entry in ClinVar:

NM_004275.5(MED20):c.92T>C (p.Leu31Pro)

Genes: BYSL (bystin like; plus strand), MED20 (mediator complex subunit 20; minus strand), LOC126859675 (MED14-independent group 3 enhancer GRCh37_chr6:41884515-41885714; plus strand). Cytogenetic location: 6p21.1.
Variant type: single nucleotide variant.
Coding change: c.92T>C on transcript NM_004275.5 (MANE Select); coding-DNA position 92, T replaced by C.
Protein change: p.Leu31Pro; replaces leucine 31 with proline.
Molecular consequence: missense variant. On other transcripts: 5 prime UTR variant (1), non-coding transcript variant (1), intron variant (1).
Genome position (GRCh38, 1-based): chr6:41,916,862, A>G on the plus strand (T>C on the coding strand, the complement: MED20 is on the minus strand). VCF-style: chr6-41916862-A-G. GRCh37 (hg19) VCF-style: chr6-41884600-A-G.
Other names: c.-211T>C (NM_001305456.2); c.92T>C, p.Leu31Pro (NM_001305457.2); c.-18+4143T>C (NM_001305455.2); short protein forms L31P.
Identifiers: ClinVar variation 4754087 (VCV004754087.1).

ClinVar aggregate classification (germline): Uncertain significance (1 of 4 stars; one submission).

gnomAD v4.1: 41 of 1,613,978 alleles (0.0025%); highest among the groups gnomAD compares: Admixed American, 0.055%; no homozygotes.

Submission:

Labcorp Genetics (formerly Invitae), Labcorp
Classification: Uncertain significance. Last evaluated: 2025-03-29. Review status: criteria provided, single submitter. Criteria: Invitae Variant Classification Sherloc (09022015). Collection method: clinical testing. Allele origin: germline.
Comment: This sequence change replaces leucine, which is neutral and non-polar, with proline, which is neutral and non-polar, at codon 31 of the MED20 protein (p.Leu31Pro). This variant is present in population databases (rs775739222, gnomAD 0.09%), and has an allele count higher than expected for a pathogenic variant. This variant has not been reported in the literature in individuals affected with MED20-related conditions. An algorithm developed to predict the effect of missense changes on protein structure and function (PolyPhen-2) suggests that this variant is likely to be disruptive. In summary, the available evidence is currently insufficient to determine the role of this variant in disease. Therefore, it has been classified as a Variant of Uncertain Significance.